The following is an entry in ClinVar:

NM_198075.4(LRRC56):c.607C>T (p.Pro203Ser)

Gene: LRRC56 (leucine rich repeat containing 56; plus strand). Cytogenetic location: 11p15.5.
Variant type: single nucleotide variant.
Coding change: c.607C>T on transcript NM_198075.4 (MANE Select); coding-DNA position 607, C replaced by T.
Protein change: p.Pro203Ser; replaces proline 203 with serine.
Molecular consequence: missense variant.
Genome position (GRCh38, 1-based): chr11:550,255, C>T. VCF-style: chr11-550255-C-T. GRCh37 (hg19) VCF-style: chr11-550255-C-T.
Other names: short protein forms P203S.
Identifiers: ClinVar variation 1924762 (VCV001924762.4), dbSNP rs961390357, ClinGen allele CA216894955.

ClinVar aggregate classification (germline): Uncertain significance (1 of 4 stars; one submission).

Allele frequency attached by ClinVar (database versions not stated): gnomAD exomes below 0.00001; gnomAD 0.00001; TOPMed 0.00003.
gnomAD v4.1: 5 of 1,597,740 alleles (0.00031%); highest among the groups gnomAD compares: Admixed American, 0.0034%; no homozygotes.

Submission:

Labcorp Genetics (formerly Invitae), Labcorp
Classification: Uncertain significance. Last evaluated: 2023-02-03. Review status: criteria provided, single submitter. Criteria: Invitae Variant Classification Sherloc (09022015). Collection method: clinical testing. Allele origin: germline.
Comment: This variant has not been reported in the literature in individuals affected with LRRC56-related conditions. The frequency data for this variant in the population databases is considered unreliable, as metrics indicate poor data quality at this position in the gnomAD database. This sequence change replaces proline, which is neutral and non-polar, with serine, which is neutral and polar, at codon 203 of the LRRC56 protein (p.Pro203Ser). In summary, the available evidence is currently insufficient to determine the role of this variant in disease. Therefore, it has been classified as a Variant of Uncertain Significance. Advanced modeling of protein sequence and biophysical properties (such as structural, functional, and spatial information, amino acid conservation, physicochemical variation, residue mobility, and thermodynamic stability) performed at Invitae indicates that this missense variant is not expected to disrupt LRRC56 protein function.